The following is an entry in ClinVar:

ClinVar aggregate classification (germline): Uncertain significance (1 of 4 stars; one submission).

Conditions:
Hereditary cancer-predisposing syndrome. Also called: Hereditary neoplastic syndrome; Hereditary Cancer Syndrome; Neoplastic Syndromes, Hereditary; Tumor predisposition. Identifiers: Orphanet 140162, MedGen C0027672, MeSH D009386, MONDO:0015356.

Allele frequency attached by ClinVar (database versions not stated): gnomAD exomes below 0.00001.

Submission:

Ambry Genetics
Classification: Uncertain significance for Hereditary cancer-predisposing syndrome. Last evaluated: 2024-07-05. Review status: criteria provided, single submitter. Criteria: Ambry Variant Classification Scheme 2023. Collection method: clinical testing. Allele origin: germline.
Comment: The p.A127T variant (also known as c.379G>A), located in coding exon 4 of the NBN gene, results from a G to A substitution at nucleotide position 379. The alanine at codon 127 is replaced by threonine, an amino acid with similar properties. This amino acid position is not well conserved in available vertebrate species. In addition, this alteration is predicted to be tolerated by in silico analysis. Since supporting evidence is limited at this time, the clinical significance of this alteration remains unclear.

NM_002485.5(NBN):c.379G>A (p.Ala127Thr)

Gene: NBN (nibrin; minus strand). Cytogenetic location: 8q21.3.
Variant type: single nucleotide variant.
Coding change: c.379G>A on transcript NM_002485.5 (MANE Select); coding-DNA position 379, G replaced by A.
Protein change: p.Ala127Thr; replaces alanine 127 with threonine.
Molecular consequence: missense variant.
Genome position (GRCh38, 1-based): chr8:89,980,835, C>T on the plus strand (G>A on the coding strand, the complement: NBN is on the minus strand). VCF-style: chr8-89980835-C-T. GRCh37 (hg19) VCF-style: chr8-90993063-C-T.
Other names: c.133G>A, p.Ala45Thr (NM_001024688.3); short protein forms A127T, A45T.
Identifiers: ClinVar variation 230226 (VCV000230226.6), dbSNP rs876658453, ClinGen allele CA10578802.
Genomic context (GRCh38, chr8:89,980,835, plus strand): 5'-ATTCTTCTGTCCAATTGTTTACAGTAAATCCTCCAAGTTGCAATATAGCTTGATTTAAAG[C>T]AGTTTTCCCAGAGACATCTAAACAAGAAGAGCATGCAACCAAAGGCTCATACTCTATTCT-3'
Protein context (NP_002476.2, residues 117-137): SSCLDVSGKT[Ala127Thr]LNQAILQLGG